The following is an entry in ClinVar:

NM_001330260.2(SCN8A):c.2641G>T (p.Val881Leu)

Gene: SCN8A (sodium voltage-gated channel alpha subunit 8; plus strand). Cytogenetic location: 12q13.13.
Variant type: single nucleotide variant.
Coding change: c.2641G>T on transcript NM_001330260.2 (MANE Select); coding-DNA position 2641, G replaced by T.
Protein change: p.Val881Leu; replaces valine 881 with leucine.
Molecular consequence: missense variant.
Genome position (GRCh38, 1-based): chr12:51,765,767, G>T. VCF-style: chr12-51765767-G-T. GRCh37 (hg19) VCF-style: chr12-52159551-G-T.
Other names: c.2641G>T, p.Val881Leu (NM_001177984.3, NM_001369788.1, NM_014191.4); short protein forms V881L.
Identifiers: ClinVar variation 3897719 (VCV003897719.1).
Genomic context (GRCh38, chr12:51,765,767, plus strand): 5'-CTGAACATGCTAATCAAGATTATTGGAAATTCAGTGGGTGCCCTGGGCAACCTGACACTG[G>T]TGCTGGCCATTATTGTCTTCATCTTTGCCGTGGTGGGGATGCAACTCTTTGGAAAAAGCT-3'
Protein context (NP_001317189.1, residues 871-891): SVGALGNLTL[Val881Leu]LAIIVFIFAV

ClinVar aggregate classification (germline): Likely pathogenic (1 of 4 stars; one submission).

Conditions:
Developmental and epileptic encephalopathy, 13 (DEE13). Also called: SCN8A-Related Epilepsy; Early infantile epileptic encephalopathy 13; Developmental and Epileptic Encephalopathy (SCN8A-DEE). Identifiers: Orphanet 442835, MedGen C3281191, MONDO:0013801, OMIM 614558.

Submission:

Genomics, Clalit Research Institute, Clalit Health Care
Classification: Likely pathogenic for Developmental and epileptic encephalopathy, 13. Last evaluated: 2025-03-02. Review status: criteria provided, single submitter. Criteria: ACMG Guidelines, 2015. Collection method: clinical testing. Allele origin: germline. Inheritance: Autosomal dominant inheritance. Affected: yes. Observed: 1 heterozygote.
Comment: Frequency: The variant is absent from the gnomAD reference population dataset. Variant site: Located in a mutational hot spot and/or critical and well-established functional domain (e.g. active site of enzyme) with some local benign variation. Variant type: The same amino acid change as a previously established pathogenic variant regardless of nucleotide change. Variant type: Missense variant in a gene with a low rate of benign missense variation and in which missense variants are a common mechanism of pathogenesis. Prediction tools: REVEL predicts a deleterious effect on the gene or gene product (score 0.86). Clinical evidence: To date, the variant has not been described by reputable sources or in the primary literature.